The following is an entry in ClinVar:

ClinVar aggregate classification (germline): Pathogenic (1 of 4 stars; one submission).

Submission:

Labcorp Genetics (formerly Invitae), Labcorp
Classification: Pathogenic. Last evaluated: 2021-02-15. Review status: criteria provided, single submitter. Criteria: Invitae Variant Classification Sherloc (09022015). Collection method: clinical testing. Allele origin: germline.
Comment: This variant is a gross deletion of the genomic region encompassing exon(s) 18 of the SETD5 gene. This deletion is out-of-frame, and is expected to create a premature translational stop signal and result in an absent or disrupted protein product. Loss-of-function variants in SETD5 are known to be pathogenic (PMID: 24680889). For these reasons, this variant has been classified as Pathogenic. This variant has been observed in individual(s) with intellectual disability syndrome (Invitae).

Literature cited by the submitters: PubMed 24680889.

NC_000003.11:g.(?_9506089)_(9506376_?)del

Gene: SETD5 (SET domain containing 5; plus strand). Cytogenetic location: 3p25.3.
Variant type: Deletion.
Identifiers: ClinVar variation 1459974 (VCV001459974.6).